The following is an entry in ClinVar:

NM_001080449.3(DNA2):c.2513A>G (p.Asn838Ser)

Gene: DNA2 (DNA replication helicase/nuclease 2; minus strand). Cytogenetic location: 10q21.3.
Variant type: single nucleotide variant.
Coding change: c.2513A>G on transcript NM_001080449.3 (MANE Select); coding-DNA position 2513, A replaced by G.
Protein change: p.Asn838Ser; replaces asparagine 838 with serine.
Molecular consequence: missense variant. On other transcripts: non-coding transcript variant (1).
Genome position (GRCh38, 1-based): chr10:68,422,409, T>C on the plus strand (A>G on the coding strand, the complement: DNA2 is on the minus strand). VCF-style: chr10-68422409-T-C. GRCh37 (hg19) VCF-style: chr10-70182166-T-C.
Other names: short protein forms N838S.
Identifiers: ClinVar variation 2184084 (VCV002184084.4), dbSNP rs1418092170, ClinGen allele CA376846285.
Genomic context (GRCh38, chr10:68,422,409, plus strand): 5'-ATCACTGCATTGGCCACTTTGTCTGATCCACACTCCAGCTTGCCCTCATAGGTCAGCTTA[T>C]TACTTAAGGACATAATTTTACTAAGGGAATTACAAAAGATAACTTTAGTTTTGGTAGATG-3'
Protein context (NP_001073918.2, residues 828-848): RMNSKIMSLS[Asn838Ser]KLTYEGKLEC

ClinVar aggregate classification (germline): Uncertain significance (1 of 4 stars; one submission).

Allele frequency attached by ClinVar (database versions not stated): gnomAD exomes below 0.00001.
gnomAD v4.1: 2 of 1,613,690 alleles (0.00012%); highest among the groups gnomAD compares: Non-Finnish European, 0.00017%; no homozygotes.

Submission:

Labcorp Genetics (formerly Invitae), Labcorp
Classification: Uncertain significance. Last evaluated: 2025-10-01. Review status: criteria provided, single submitter. Criteria: Invitae Variant Classification Sherloc (09022015). Collection method: clinical testing. Allele origin: germline.
Comment: This sequence change replaces asparagine, which is neutral and polar, with serine, which is neutral and polar, at codon 838 of the DNA2 protein (p.Asn838Ser). This variant is present in population databases (no rsID available, gnomAD 0.0009%). This variant has not been reported in the literature in individuals affected with DNA2-related conditions. ClinVar contains an entry for this variant (Variation ID: 2184084). Invitae Evidence Modeling of protein sequence and biophysical properties (such as structural, functional, and spatial information, amino acid conservation, physicochemical variation, residue mobility, and thermodynamic stability) has been performed for this missense variant. However, the output from this modeling did not meet the statistical confidence thresholds required to predict the impact of this variant on DNA2 protein function. In summary, the available evidence is currently insufficient to determine the role of this variant in disease. Therefore, it has been classified as a Variant of Uncertain Significance.